The following is an entry in ClinVar:

ClinVar aggregate classification (germline): Likely pathogenic (1 of 4 stars; one submission).

Conditions:
Bardet-Biedl syndrome 2 (BBS2). Identifiers: Orphanet 110, MedGen C2936863, MONDO:0014432, OMIM 615981.

Submission:

Natera, Inc.
Classification: Likely pathogenic for Bardet-Biedl syndrome type 2. Last evaluated: 2024-05-16. Review status: criteria provided, single submitter. Criteria: Natera Variant Classification Schema (03/2026). Collection method: clinical testing. Allele origin: germline.
Comment: The c.29_30del variant in BBS2 is a frameshift variant predicted to shift the reading frame beginning at codon 10 and leads to a stop codon 34 codons downstream. This variant is expected to result in nonsense mediated decay, truncation, or a dysfunctional protein product. This variant is rare in the general population with a frequency below the threshold expected for the associated phenotype(s). Given the available evidence, this variant is classified as Likely Pathogenic.

NM_031885.5(BBS2):c.29_30del (p.Leu10fs)

Gene: BBS2 (Bardet-Biedl syndrome 2; minus strand). Cytogenetic location: 16q13.
Variant type: Deletion.
Coding change: c.29_30del on transcript NM_031885.5 (MANE Select); coding-DNA positions 29 to 30, 2 bases deleted (TG; older notation c.29_30delTG).
Protein change: p.Leu10fs; shifts the reading frame from leucine 10.
Molecular consequence: frameshift variant. On other transcripts: non-coding transcript variant (5).
Genome position (GRCh38, 1-based): chr16:56,519,833-56,519,834, CA deleted on the plus strand (TG on the coding strand, the reverse complement: BBS2 is on the minus strand). VCF-style (leftmost placement, unchanged base first): chr16-56519832-GCA-G. GRCh37 (hg19) VCF-style: chr16-56553744-GCA-G.
Other names: c.29_30del, p.Leu10fs (NM_001377456.1); short protein forms L10fs.
Identifiers: ClinVar variation 4816287 (VCV004816287.1).